The following is an entry in ClinVar:

ClinVar aggregate classification (germline): Uncertain significance. Review status: criteria provided, multiple submitters, no conflicts (2 of 4 stars). 2 submissions from 2 submitters: Uncertain significance (2). Last evaluated 2021-10-27.

Conditions:
Hereditary cancer-predisposing syndrome. Also called: Neoplastic Syndromes, Hereditary; Tumor predisposition; Hereditary neoplastic syndrome; Hereditary Cancer Syndrome. Identifiers: Orphanet 140162, MedGen C0027672, MeSH D009386, MONDO:0015356.
Familial cancer of breast. Also called: BREAST CANCER, FAMILIAL; Hereditary breast cancer; hereditary breast carcinoma. Identifiers: Orphanet 227535, MedGen C0346153, MONDO:0016419, OMIM 114480. Disease mechanism: loss of function.

Submissions (2):

Labcorp Genetics (formerly Invitae), Labcorp
Classification: Uncertain significance for Familial cancer of breast. Last evaluated: 2021-10-27. Review status: criteria provided, single submitter. Criteria: Invitae Variant Classification Sherloc (09022015). Collection method: clinical testing. Allele origin: germline.
Comment: Algorithms developed to predict the effect of missense changes on protein structure and function (SIFT, PolyPhen-2, Align-GVGD) all suggest that this variant is likely to be tolerated. In summary, the available evidence is currently insufficient to determine the role of this variant in disease. Therefore, it has been classified as a Variant of Uncertain Significance. ClinVar contains an entry for this variant (Variation ID: 629351). This variant has not been reported in the literature in individuals affected with PALB2-related conditions. This variant is not present in population databases (gnomAD no frequency). This sequence change replaces histidine, a(n) basic and polar amino acid, with aspartic acid, a(n) acidic and polar amino acid, at codon 647 of the PALB2 protein (p.His647Asp).

Color Diagnostics, LLC DBA Color Health
Classification: Uncertain significance for Hereditary cancer-predisposing syndrome. Last evaluated: 2018-10-04. Review status: criteria provided, single submitter. Criteria: ACMG Guidelines, 2015. Collection method: clinical testing. Allele origin: germline.

NM_024675.4(PALB2):c.1939C>G (p.His647Asp)

Gene: PALB2 (partner and localizer of BRCA2; minus strand). Cytogenetic location: 16p12.2.
Variant type: single nucleotide variant.
Coding change: c.1939C>G on transcript NM_024675.4 (MANE Select); coding-DNA position 1939, C replaced by G.
Protein change: p.His647Asp; replaces histidine 647 with aspartic acid.
Molecular consequence: missense variant.
Genome position (GRCh38, 1-based): chr16:23,630,215, G>C on the plus strand (C>G on the coding strand, the complement: PALB2 is on the minus strand). VCF-style: chr16-23630215-G-C. GRCh37 (hg19) VCF-style: chr16-23641536-G-C.
Other names: short protein forms H647D.
Identifiers: ClinVar variation 629351 (VCV000629351.9), dbSNP rs1555460583, ClinGen allele CA395127441.